The following is an entry in ClinVar:

ClinVar aggregate classification (germline): Uncertain significance (1 of 4 stars; one submission).

Conditions:
6-Pyruvoyl-tetrahydrobiopterin synthase deficiency. Also called: 6-Pyruvoyltetrahydropterin Synthase Deficiency; HYPERPHENYLALANINEMIA, TETRAHYDROBIOPTERIN-DEFICIENT, DUE TO PTS DEFICIENCY; BH4-deficient hyperphenylalaninemia A; PTS-Related Tetrahydrobiopterin Deficiency; PTS DEFICIENCY; Hyperphenylalanemia, BH4-deficient, A. Identifiers: Orphanet 13, Orphanet 238583, MedGen C0878676, MONDO:0009863, OMIM 261640.

Allele frequency attached by ClinVar (database versions not stated): TOPMed below 0.00001; gnomAD 0.00001.

Submission:

Labcorp Genetics (formerly Invitae), Labcorp
Classification: Uncertain significance for 6-Pyruvoyl-tetrahydrobiopterin synthase deficiency. Last evaluated: 2021-08-30. Review status: criteria provided, single submitter. Criteria: Invitae Variant Classification Sherloc (09022015). Collection method: clinical testing. Allele origin: germline.
Comment: This sequence change replaces arginine with cysteine at codon 8 of the PTS protein (p.Arg8Cys). The arginine residue is weakly conserved and there is a large physicochemical difference between arginine and cysteine. This variant is not present in population databases (ExAC no frequency). This variant has not been reported in the literature in individuals affected with PTS-related conditions. Algorithms developed to predict the effect of missense changes on protein structure and function output the following: SIFT: "Tolerated"; PolyPhen-2: "Benign"; Align-GVGD: "Class C0". The cysteine amino acid residue is found in multiple mammalian species, which suggests that this missense change does not adversely affect protein function. In summary, the available evidence is currently insufficient to determine the role of this variant in disease. Therefore, it has been classified as a Variant of Uncertain Significance.

NM_000317.3(PTS):c.22C>T (p.Arg8Cys)

Genes: PTS (6-pyruvoyltetrahydropterin synthase; plus strand), LOC130006765 (ATAC-STARR-seq lymphoblastoid silent region 3906; plus strand). Cytogenetic location: 11q23.1.
Variant type: single nucleotide variant.
Coding change: c.22C>T on transcript NM_000317.3 (MANE Select); coding-DNA position 22, C replaced by T.
Protein change: p.Arg8Cys; replaces arginine 8 with cysteine.
Molecular consequence: missense variant.
Genome position (GRCh38, 1-based): chr11:112,226,465, C>T. VCF-style: chr11-112226465-C-T. GRCh37 (hg19) VCF-style: chr11-112097188-C-T.
Other names: short protein forms R8C.
Identifiers: ClinVar variation 1417332 (VCV001417332.5), dbSNP rs1859865574, ClinGen allele CA382626369.